The following is an entry in ClinVar:

NM_017934.7(PHIP):c.2434A>G (p.Ile812Val)

Gene: PHIP (PHIP subunit of CUL4-Ring ligase complex; minus strand). Cytogenetic location: 6q14.1.
Variant type: single nucleotide variant.
Coding change: c.2434A>G on transcript NM_017934.7 (MANE Select); coding-DNA position 2434, A replaced by G.
Protein change: p.Ile812Val; replaces isoleucine 812 with valine.
Molecular consequence: missense variant.
Genome position (GRCh38, 1-based): chr6:78,988,235, T>C on the plus strand (A>G on the coding strand, the complement: PHIP is on the minus strand). VCF-style: chr6-78988235-T-C. GRCh37 (hg19) VCF-style: chr6-79697952-T-C.
Other names: short protein forms I812V.
Identifiers: ClinVar variation 2632825 (VCV002632825.1), dbSNP rs1460128323, ClinGen allele CA364650651.

ClinVar aggregate classification (germline): Uncertain significance (1 of 4 stars; one submission).

Conditions:
PHIP-related disorder. Also called: PHIP-related condition; PHIP-related disorders.

Allele frequency attached by ClinVar (database versions not stated): gnomAD exomes 0.00001.
gnomAD v4.1: 6 of 1,586,586 alleles (0.00038%); highest among the groups gnomAD compares: East Asian, 0.0046%; no homozygotes.

Submission:

PreventionGenetics, part of Exact Sciences
Classification: Uncertain significance for PHIP-related condition. Last evaluated: 2023-06-16. Review status: criteria provided, single submitter. Criteria: ACMG Guidelines, 2015. Collection method: clinical testing. Allele origin: germline.
Comment: The PHIP c.2434A>G variant is predicted to result in the amino acid substitution p.Ile812Val. To our knowledge, this variant has not been reported in the literature. This variant is reported in 0.0066% of alleles in individuals of Latino descent in gnomAD. At this time, the clinical significance of this variant is uncertain due to the absence of conclusive functional and genetic evidence.